The following is an entry in ClinVar:

ClinVar aggregate classification (germline): Uncertain significance (1 of 4 stars; one submission).

Conditions:
Brugada syndrome. Also called: Sudden unexpected nocturnal death syndrome; Sudden unexplained nocturnal death syndrome; Sudden Unexplained Death Syndrome; Sudden Unexplained Nocturnal Death Syndrome (SUNDS). Identifiers: Orphanet 130, MedGen C1142166, MONDO:0015263.

Submission:

Labcorp Genetics (formerly Invitae), Labcorp
Classification: Uncertain significance for Brugada syndrome. Last evaluated: 2025-07-14. Review status: criteria provided, single submitter. Criteria: Invitae Variant Classification Sherloc (09022015). Collection method: clinical testing. Allele origin: germline.
Comment: This sequence change replaces asparagine, which is neutral and polar, with histidine, which is basic and polar, at codon 672 of the CACNA2D1 protein (p.Asn672His). This variant is not present in population databases (gnomAD no frequency). This variant has not been reported in the literature in individuals affected with CACNA2D1-related conditions. An algorithm developed to predict the effect of missense changes on protein structure and function (PolyPhen-2) suggests that this variant is likely to be disruptive. In summary, the available evidence is currently insufficient to determine the role of this variant in disease. Therefore, it has been classified as a Variant of Uncertain Significance.

NM_000722.4(CACNA2D1):c.2014A>C (p.Asn672His)

Gene: CACNA2D1 (calcium voltage-gated channel auxiliary subunit alpha2delta 1; minus strand). Cytogenetic location: 7q21.11.
Variant type: single nucleotide variant.
Coding change: c.2014A>C on transcript NM_000722.4 (MANE Select); coding-DNA position 2014, A replaced by C.
Protein change: p.Asn672His; replaces asparagine 672 with histidine.
Molecular consequence: missense variant.
Genome position (GRCh38, 1-based): chr7:81,974,494, T>G on the plus strand (A>C on the coding strand, the complement: CACNA2D1 is on the minus strand). VCF-style: chr7-81974494-T-G. GRCh37 (hg19) VCF-style: chr7-81603810-T-G.
Other names: c.2050A>C, p.Asn684His (NM_001366867.1); short protein forms N672H, N684H.
Identifiers: ClinVar variation 4722752 (VCV004722752.1).